The following is an entry in ClinVar:

ClinVar aggregate classification (germline): Likely benign. Review status: criteria provided, multiple submitters, no conflicts (2 of 4 stars). 3 submissions from 3 submitters: Likely benign (2). 1 of the submissions does not count toward it. Last evaluated 2023-09-25.

Conditions:
GPD1L-related disorder. Also called: GPD1L-related condition.
Cardiovascular phenotype. Identifiers: MedGen CN230736.
Brugada syndrome. Also called: Sudden unexpected nocturnal death syndrome; Sudden unexplained nocturnal death syndrome; Sudden Unexplained Death Syndrome; Sudden Unexplained Nocturnal Death Syndrome (SUNDS). Identifiers: Orphanet 130, MedGen C1142166, MONDO:0015263.

Allele frequency attached by ClinVar (database versions not stated): gnomAD 0.00001 and 0.00002; gnomAD exomes 0.00001; TOPMed 0.00001; ExAC 0.00002.
gnomAD v4.1: 20 of 1,613,610 alleles (0.0012%); highest among the groups gnomAD compares: Non-Finnish European, 0.0017%; no homozygotes.

Submissions (3):

Labcorp Genetics (formerly Invitae), Labcorp
Classification: Likely benign for Brugada syndrome. Last evaluated: 2023-09-25. Review status: criteria provided, single submitter. Criteria: Invitae Variant Classification Sherloc (09022015). Collection method: clinical testing. Allele origin: germline.

Ambry Genetics
Classification: Likely benign for Cardiovascular phenotype. Last evaluated: 2023-04-01. Review status: criteria provided, single submitter. Criteria: Ambry Variant Classification Scheme 2023. Collection method: clinical testing. Allele origin: germline.

PreventionGenetics, part of Exact Sciences
Classification: Likely benign for GPD1L-related condition. Last evaluated: 2021-05-15. Review status: no assertion criteria provided. Collection method: clinical testing. Allele origin: germline. Not counted in ClinVar's aggregate classification.
Comment: This variant is classified as likely benign based on ACMG/AMP sequence variant interpretation guidelines (Richards et al. 2015 PMID: 25741868, with internal and published modifications).

NM_015141.4(GPD1L):c.822G>A (p.Arg274=)

Gene: GPD1L (glycerol-3-phosphate dehydrogenase 1 like; plus strand). Cytogenetic location: 3p22.3.
Variant type: single nucleotide variant.
Coding change: c.822G>A on transcript NM_015141.4 (MANE Select); coding-DNA position 822, G replaced by A.
Protein change: p.Arg274=; no amino-acid change (arginine 274 retained).
Molecular consequence: synonymous variant.
Genome position (GRCh38, 1-based): chr3:32,159,079, G>A. VCF-style: chr3-32159079-G-A. GRCh37 (hg19) VCF-style: chr3-32200571-G-A.
Other names: c.822G>A (NM_015141.3).
Identifiers: ClinVar variation 1107266 (VCV001107266.11), dbSNP rs759180118, ClinGen allele CA2296750.
Genomic context (GRCh38, chr3:32,159,079, plus strand): 5'-CCTAGAGAGCTGCGGGGTGGCCGACCTGATCACCACCTGTTACGGAGGGCGGAACCGCAG[G>A]GTGGCCGAGGCCTTCGCCAGAACTGGGAAGGTAGCCCCTCACCTGCTCTCCCGCACCCCC-3'
Protein context (NP_055956.1, residues 264-284): ITTCYGGRNR[Arg274=]VAEAFARTGK